The following is an entry in ClinVar:

ClinVar aggregate classification (germline): Likely benign. Review status: criteria provided, multiple submitters, no conflicts (2 of 4 stars). 3 submissions from 3 submitters: Likely benign (3). Last evaluated 2025-06-25.

Conditions:
Hereditary cancer-predisposing syndrome. Also called: Neoplastic Syndromes, Hereditary; Tumor predisposition; Hereditary neoplastic syndrome; Hereditary Cancer Syndrome. Identifiers: Orphanet 140162, MedGen C0027672, MeSH D009386, MONDO:0015356.
Gastrointestinal stromal tumor. Also called: Gastrointestinal stromal tumor, somatic; Gastrointestinal stroma tumor. Identifiers: Orphanet 44890, MedGen C0238198, MeSH D046152, MONDO:0011719, OMIM 606764, HP:0100723.

gnomAD v4.1: 1 of 1,613,880 alleles (0.000062%); highest among the groups gnomAD compares: Non-Finnish European, 0.000085%; no homozygotes.

Submissions (3):

Labcorp Genetics (formerly Invitae), Labcorp
Classification: Likely benign for Gastrointestinal stromal tumor. Last evaluated: 2025-06-25. Review status: criteria provided, single submitter. Criteria: Invitae Variant Classification Sherloc (09022015). Collection method: clinical testing. Allele origin: germline.

CeGaT Center for Human Genetics Tuebingen
Classification: Likely benign. Last evaluated: 2022-07-01. Review status: criteria provided, single submitter. Criteria: CeGaT Center For Human Genetics Tuebingen Variant Classification Criteria Version 2. Collection method: clinical testing. Allele origin: germline. Affected: yes. Observed: 1 variant allele.
Comment: PDGFRA: BP4, BP7

Ambry Genetics
Classification: Likely benign for Hereditary cancer-predisposing syndrome. Last evaluated: 2019-08-03. Review status: criteria provided, single submitter. Criteria: Ambry Variant Classification Scheme 2023. Collection method: clinical testing. Allele origin: germline.

NM_006206.6(PDGFRA):c.1296G>C (p.Thr432=)

Gene: PDGFRA (platelet derived growth factor receptor alpha; plus strand). Cytogenetic location: 4q12.
Variant type: single nucleotide variant.
Coding change: c.1296G>C on transcript NM_006206.6 (MANE Select); coding-DNA position 1296, G replaced by C.
Protein change: p.Thr432=; no amino-acid change (threonine 432 retained).
Molecular consequence: synonymous variant.
Genome position (GRCh38, 1-based): chr4:54,272,452, G>C. VCF-style: chr4-54272452-G-C. GRCh37 (hg19) VCF-style: chr4-55138619-G-C.
Other names: c.1296G>C, p.Thr432= (NM_001347827.2, NM_001347829.2); c.1371G>C, p.Thr457= (NM_001347828.2); c.1335G>C, p.Thr445= (NM_001347830.2).
Identifiers: ClinVar variation 1101183 (VCV001101183.35), dbSNP rs374217334, ClinGen allele CA439286925.